The following is an entry in ClinVar:

ClinVar aggregate classification (germline): Uncertain significance. Review status: criteria provided, multiple submitters, no conflicts (2 of 4 stars). 2 submissions from 2 submitters: Uncertain significance (2). Last evaluated 2021-10-23.

Conditions:
Charcot-Marie-Tooth disease axonal type 2O. Also called: CHARCOT-MARIE-TOOTH NEUROPATHY, AXONAL, TYPE 2O; CHARCOT-MARIE-TOOTH DISEASE, AXONAL, AUTOSOMAL DOMINANT, TYPE 2O; Charcot-Marie-Tooth disease, axonal, type 20; Charcot-Marie-Tooth Neuropathy Type 2O. Identifiers: Orphanet 284232, MedGen C3280220, MONDO:0013644, OMIM 614228.

Submissions (2):

Labcorp Genetics (formerly Invitae), Labcorp
Classification: Uncertain significance for Charcot-Marie-Tooth disease axonal type 2O. Last evaluated: 2021-10-23. Review status: criteria provided, single submitter. Criteria: Invitae Variant Classification Sherloc (09022015). Collection method: clinical testing. Allele origin: germline.
Comment: This sequence change replaces arginine with cysteine at codon 3219 of the DYNC1H1 protein (p.Arg3219Cys). The arginine residue is highly conserved and there is a large physicochemical difference between arginine and cysteine. This variant is not present in population databases (ExAC no frequency). This missense change has been observed in individual(s) with clinical features of DYNC1H1-related conditions (Invitae). ClinVar contains an entry for this variant (Variation ID: 546251). Algorithms developed to predict the effect of missense changes on protein structure and function (SIFT, PolyPhen-2, Align-GVGD) all suggest that this variant is likely to be disruptive. In summary, the available evidence is currently insufficient to determine the role of this variant in disease. Therefore, it has been classified as a Variant of Uncertain Significance.

GeneDx
Classification: Uncertain significance. Last evaluated: 2018-05-10. Review status: criteria provided, single submitter. Criteria: GeneDx Variant Classification (06012015). Collection method: clinical testing. Allele origin: germline. Affected: yes.
Comment: A variant of uncertain significance has been identified in the DYNC1H1 gene. The R3219C variant has not been published as a pathogenic variant, nor has it been reported as a benign variant to our knowledge. The R3219C variant is not observed in large population cohorts (Lek et al., 2016). The R3219C variant is a non-conservative amino acid substitution, which is likely to impact secondary protein structure as these residues differ in polarity, charge, size and/or other properties. In-silico analyses, including protein predictors and evolutionary conservation, support a deleterious effect. This substitution occurs within the critcal Stalk domain of the DYNC1H1 protein. Based on the currently available information, it is unclear whether this variant is a pathogenic variant or a rare benign variant.

NM_001376.5(DYNC1H1):c.9655C>T (p.Arg3219Cys)

Gene: DYNC1H1 (dynein cytoplasmic 1 heavy chain 1; plus strand). Cytogenetic location: 14q32.31.
Variant type: single nucleotide variant.
Coding change: c.9655C>T on transcript NM_001376.5 (MANE Select); coding-DNA position 9655, C replaced by T.
Protein change: p.Arg3219Cys; replaces arginine 3219 with cysteine.
Molecular consequence: missense variant.
Genome position (GRCh38, 1-based): chr14:102,029,831, C>T. VCF-style: chr14-102029831-C-T. GRCh37 (hg19) VCF-style: chr14-102496168-C-T.
Other names: short protein forms R3219C.
Identifiers: ClinVar variation 546251 (VCV000546251.7), dbSNP rs1555411141, ClinGen allele CA391016599.